The following is an entry in ClinVar:

ClinVar aggregate classification (germline): Uncertain significance. Review status: criteria provided, multiple submitters, no conflicts (2 of 4 stars). 2 submissions from 2 submitters: Uncertain significance (2). Last evaluated 2025-08-21.

Conditions:
Cardiovascular phenotype. Identifiers: MedGen CN230736.
Dilated cardiomyopathy 1KK (CMD1KK). Identifiers: Orphanet 154, Orphanet 75249, MedGen C3714995, MONDO:0014100, OMIM 615248.

Submissions (2):

Labcorp Genetics (formerly Invitae), Labcorp
Classification: Uncertain significance for Dilated cardiomyopathy 1KK. Last evaluated: 2025-08-21. Review status: criteria provided, single submitter. Criteria: Invitae Variant Classification Sherloc (09022015). Collection method: clinical testing. Allele origin: germline.
Comment: This sequence change replaces leucine, which is neutral and non-polar, with arginine, which is basic and polar, at codon 1108 of the MYPN protein (p.Leu1108Arg). This variant is not present in population databases (gnomAD no frequency). This variant has not been reported in the literature in individuals affected with MYPN-related conditions. ClinVar contains an entry for this variant (Variation ID: 1027284). An algorithm developed to predict the effect of missense changes on protein structure and function (PolyPhen-2) suggests that this variant is likely to be disruptive. In summary, the available evidence is currently insufficient to determine the role of this variant in disease. Therefore, it has been classified as a Variant of Uncertain Significance.

Ambry Genetics
Classification: Uncertain significance for Cardiovascular phenotype. Last evaluated: 2023-11-09. Review status: criteria provided, single submitter. Criteria: Ambry Variant Classification Scheme 2023. Collection method: clinical testing. Allele origin: germline.
Comment: The p.L1108R variant (also known as c.3323T>G), located in coding exon 16 of the MYPN gene, results from a T to G substitution at nucleotide position 3323. The leucine at codon 1108 is replaced by arginine, an amino acid with dissimilar properties. This amino acid position is conserved. In addition, the in silico prediction for this alteration is inconclusive. Since supporting evidence is limited at this time, the clinical significance of this alteration remains unclear.

NM_032578.4(MYPN):c.3323T>G (p.Leu1108Arg)

Gene: MYPN (myopalladin; plus strand). Cytogenetic location: 10q21.3.
Variant type: single nucleotide variant.
Coding change: c.3323T>G on transcript NM_032578.4 (MANE Select); coding-DNA position 3323, T replaced by G.
Protein change: p.Leu1108Arg; replaces leucine 1108 with arginine.
Molecular consequence: missense variant. On other transcripts: non-coding transcript variant (2).
Genome position (GRCh38, 1-based): chr10:68,199,405, T>G. VCF-style: chr10-68199405-T-G. GRCh37 (hg19) VCF-style: chr10-69959162-T-G.
Other names: c.3323T>G, p.Leu1108Arg (NM_001256267.2); c.2441T>G, p.Leu814Arg (NM_001256268.2); c.3323T>G (NM_032578.2); short protein forms L1108R, L814R.
Identifiers: ClinVar variation 1027284 (VCV001027284.9), dbSNP rs1035710752, ClinGen allele CA208225965.